The following is an entry in ClinVar:

ClinVar aggregate classification (germline): Pathogenic (1 of 4 stars; one submission).

Submission:

GeneDx
Classification: Pathogenic. Last evaluated: 2022-11-26. Review status: criteria provided, single submitter. Criteria: GeneDx Variant Classification Process June 2021. Collection method: clinical testing. Allele origin: germline. Affected: yes.
Comment: Canonical splice site variant predicted to result in a null allele in a gene for which loss of function is a known mechanism of disease; Not observed at significant frequency in large population cohorts (gnomAD); Has not been previously published as pathogenic or benign to our knowledge

NM_177559.3(CSNK2A1):c.213+1G>T

Gene: CSNK2A1 (casein kinase 2 alpha 1; minus strand). Cytogenetic location: 20p13.
Variant type: single nucleotide variant.
Coding change: c.213+1G>T on transcript NM_177559.3 (MANE Select); the canonical splice donor site of the intron after coding-DNA position 213, G replaced by T.
Molecular consequence: splice donor variant.
Genome position (GRCh38, 1-based): chr20:505,117, C>A on the plus strand (G>T on the coding strand, the complement: CSNK2A1 is on the minus strand). VCF-style: chr20-505117-C-A. GRCh37 (hg19) VCF-style: chr20-485761-C-A.
Other names: c.-196+1G>T (NM_177560.3); c.213+1G>T (NM_001362771.2, NM_001895.4, NM_001362770.2).
Identifiers: ClinVar variation 2503390 (VCV002503390.1), dbSNP rs2514672757, ClinGen allele CA407939530.